The following is an entry in ClinVar:

ClinVar aggregate classification (germline): Uncertain significance (1 of 4 stars; one submission).

Submission:

Labcorp Genetics (formerly Invitae), Labcorp
Classification: Uncertain significance. Last evaluated: 2022-08-19. Review status: criteria provided, single submitter. Criteria: Invitae Variant Classification Sherloc (09022015). Collection method: clinical testing. Allele origin: germline.
Comment: This sequence change replaces proline, which is neutral and non-polar, with leucine, which is neutral and non-polar, at codon 1236 of the MAST1 protein (p.Pro1236Leu). This variant is not present in population databases (gnomAD no frequency). This variant has not been reported in the literature in individuals affected with MAST1-related conditions. Algorithms developed to predict the effect of missense changes on protein structure and function are either unavailable or do not agree on the potential impact of this missense change (SIFT: "Deleterious"; PolyPhen-2: "Probably Damaging"; Align-GVGD: "Class C0"). In summary, the available evidence is currently insufficient to determine the role of this variant in disease. Therefore, it has been classified as a Variant of Uncertain Significance.

NM_014975.3(MAST1):c.3707C>T (p.Pro1236Leu)

Gene: MAST1 (microtubule associated serine/threonine kinase 1; plus strand). Cytogenetic location: 19p13.13.
Variant type: single nucleotide variant.
Coding change: c.3707C>T on transcript NM_014975.3 (MANE Select); coding-DNA position 3707, C replaced by T.
Protein change: p.Pro1236Leu; replaces proline 1236 with leucine.
Molecular consequence: missense variant.
Genome position (GRCh38, 1-based): chr19:12,873,864, C>T. VCF-style: chr19-12873864-C-T. GRCh37 (hg19) VCF-style: chr19-12984678-C-T.
Other names: short protein forms P1236L.
Identifiers: ClinVar variation 2024689 (VCV002024689.4), dbSNP rs2512544951, ClinGen allele CA404288908.